The following is an entry in ClinVar:

ClinVar aggregate classification (germline): Likely benign (1 of 4 stars; one submission).

Conditions:
RYR2-related disorder. Also called: RYR2-related condition.

gnomAD v4.1: 14 of 1,246,434 alleles (0.0011%); highest among the groups gnomAD compares: Non-Finnish European, 0.0014%; no homozygotes.

Submission:

PreventionGenetics, part of Exact Sciences
Classification: Likely benign for RYR2-related condition. Last evaluated: 2026-03-30. Review status: criteria provided, single submitter. Criteria: ACMG Guidelines, 2015. Collection method: clinical testing. Allele origin: germline.
Comment: This variant is classified as likely benign based on ACMG/AMP sequence variant interpretation guidelines (Richards et al. 2015 PMID: 25741868, with internal and published modifications).

NM_001035.3(RYR2):c.-26C>G

Gene: RYR2 (ryanodine receptor 2; plus strand). Cytogenetic location: 1q43.
Variant type: single nucleotide variant.
Coding change: c.-26C>G on transcript NM_001035.3 (MANE Select); 26 bases upstream of the start codon, C replaced by G.
Molecular consequence: 5 prime UTR variant.
Genome position (GRCh38, 1-based): chr1:237,042,496, C>G. VCF-style: chr1-237042496-C-G. GRCh37 (hg19) VCF-style: chr1-237205796-C-G.
Identifiers: ClinVar variation 4977263 (VCV004977263.1).